The following is an entry in ClinVar:

ClinVar aggregate classification (germline): Uncertain significance. Review status: criteria provided, multiple submitters, no conflicts (2 of 4 stars). 2 submissions from 2 submitters: Uncertain significance (2). Last evaluated 2024-12-28.

Conditions:
Benign neonatal seizures. Also called: Benign familial neonatal seizures; Benign familial neonatal epilepsy; Convulsions benign familial neonatal dominant form; Autosomal dominant form of benign neonatal seizures; Benign neonatal familial convulsions. Identifiers: Orphanet 1949, MedGen C0220669, MONDO:0016027.

Allele frequency attached by ClinVar (database versions not stated): gnomAD exomes below 0.00001; TOPMed below 0.00001; gnomAD 0.00001.

Submissions (2):

Labcorp Genetics (formerly Invitae), Labcorp
Classification: Uncertain significance for Benign neonatal seizures. Last evaluated: 2024-12-28. Review status: criteria provided, single submitter. Criteria: Invitae Variant Classification Sherloc (09022015). Collection method: clinical testing. Allele origin: germline.
Comment: This sequence change replaces asparagine, which is neutral and polar, with aspartic acid, which is acidic and polar, at codon 467 of the KCNQ3 protein (p.Asn467Asp). This variant is not present in population databases (gnomAD no frequency). This variant has not been reported in the literature in individuals affected with KCNQ3-related conditions. ClinVar contains an entry for this variant (Variation ID: 1181815). Invitae Evidence Modeling of protein sequence and biophysical properties (such as structural, functional, and spatial information, amino acid conservation, physicochemical variation, residue mobility, and thermodynamic stability) indicates that this missense variant is not expected to disrupt KCNQ3 protein function with a negative predictive value of 80%. In summary, the available evidence is currently insufficient to determine the role of this variant in disease. Therefore, it has been classified as a Variant of Uncertain Significance.

GeneDx
Classification: Uncertain significance. Last evaluated: 2023-08-28. Review status: criteria provided, single submitter. Criteria: GeneDx Variant Classification Process June 2021. Collection method: clinical testing. Allele origin: germline. Affected: yes.
Comment: Not observed at significant frequency in large population cohorts (gnomAD); In silico analysis supports that this missense variant has a deleterious effect on protein structure/function; Has not been previously published as pathogenic or benign to our knowledge

NM_004519.4(KCNQ3):c.1399A>G (p.Asn467Asp)

Gene: KCNQ3 (potassium voltage-gated channel subfamily Q member 3; minus strand). Cytogenetic location: 8q24.22.
Variant type: single nucleotide variant.
Coding change: c.1399A>G on transcript NM_004519.4 (MANE Select); coding-DNA position 1399, A replaced by G.
Protein change: p.Asn467Asp; replaces asparagine 467 with aspartic acid.
Molecular consequence: missense variant.
Genome position (GRCh38, 1-based): chr8:132,141,195, T>C on the plus strand (A>G on the coding strand, the complement: KCNQ3 is on the minus strand). VCF-style: chr8-132141195-T-C. GRCh37 (hg19) VCF-style: chr8-133153442-T-C.
Other names: c.1039A>G, p.Asn347Asp (NM_001204824.2); short protein forms N347D, N467D.
Identifiers: ClinVar variation 1181815 (VCV001181815.9), dbSNP rs1825285200, ClinGen allele CA372219943.